The following is an entry in ClinVar:

NM_000051.4(ATM):c.5756A>C (p.Gln1919Pro)

Gene: ATM (ATM serine/threonine kinase; plus strand). Cytogenetic location: 11q22.3.
Variant type: single nucleotide variant.
Coding change: c.5756A>C on transcript NM_000051.4 (MANE Select); coding-DNA position 5756, A replaced by C.
Protein change: p.Gln1919Pro; replaces glutamine 1919 with proline.
Molecular consequence: missense variant.
Genome position (GRCh38, 1-based): chr11:108,307,978, A>C. VCF-style: chr11-108307978-A-C. GRCh37 (hg19) VCF-style: chr11-108178705-A-C.
Other names: c.5756A>C, p.Gln1919Pro (NM_001351834.2); short protein forms Q1919P.
Identifiers: ClinVar variation 580726 (VCV000580726.6), dbSNP rs1565486302, ClinGen allele CA382548012.

ClinVar aggregate classification (germline): Uncertain significance. Review status: criteria provided, multiple submitters, no conflicts (2 of 4 stars). 2 submissions from 2 submitters: Uncertain significance (2). Last evaluated 2021-08-27.

Conditions:
Hereditary cancer-predisposing syndrome. Also called: Hereditary neoplastic syndrome; Tumor predisposition; Hereditary Cancer Syndrome; Neoplastic Syndromes, Hereditary. Identifiers: Orphanet 140162, MedGen C0027672, MeSH D009386, MONDO:0015356.
Ataxia-telangiectasia syndrome (AT). Also called: Cerebello-oculocutaneous telangiectasia; Immunodeficiency with ataxia telangiectasia; Ataxia telangiectasia (A-T); Ataxia-telangiectasia, complementation group E; LOUIS-BAR SYNDROME; Ataxia-telangiectasia. Identifiers: Orphanet 100, MedGen C0004135, MONDO:0008840, OMIM 208900.

Submissions (2):

Labcorp Genetics (formerly Invitae), Labcorp
Classification: Uncertain significance for Ataxia-telangiectasia syndrome. Last evaluated: 2021-08-27. Review status: criteria provided, single submitter. Criteria: Invitae Variant Classification Sherloc (09022015). Collection method: clinical testing. Allele origin: germline.
Comment: This sequence change replaces glutamine with proline at codon 1919 of the ATM protein (p.Gln1919Pro). The glutamine residue is highly conserved and there is a moderate physicochemical difference between glutamine and proline. This variant is not present in population databases (ExAC no frequency). This variant has not been reported in the literature in individuals affected with ATM-related conditions. Algorithms developed to predict the effect of missense changes on protein structure and function (SIFT, PolyPhen-2, Align-GVGD) all suggest that this variant is likely to be disruptive. In summary, the available evidence is currently insufficient to determine the role of this variant in disease. Therefore, it has been classified as a Variant of Uncertain Significance.

Ambry Genetics
Classification: Uncertain significance for Hereditary cancer-predisposing syndrome. Last evaluated: 2020-11-14. Review status: criteria provided, single submitter. Criteria: Ambry Variant Classification Scheme 2023. Collection method: clinical testing. Allele origin: germline.
Comment: The p.Q1919P variant (also known as c.5756A>C), located in coding exon 37 of the ATM gene, results from an A to C substitution at nucleotide position 5756. The glutamine at codon 1919 is replaced by proline, an amino acid with similar properties. This amino acid position is highly conserved in available vertebrate species. In addition, this alteration is predicted to be deleterious by in silico analysis. Since supporting evidence is limited at this time, the clinical significance of this alteration remains unclear.